The following is an entry in ClinVar:

NM_003718.5(CDK13):c.581C>T (p.Ser194Leu)

Genes: CDK13 (cyclin dependent kinase 13; plus strand), LOC129998293 (ATAC-STARR-seq lymphoblastoid silent region 18116; plus strand). Cytogenetic location: 7p14.1.
Variant type: single nucleotide variant.
Coding change: c.581C>T on transcript NM_003718.5 (MANE Select); coding-DNA position 581, C replaced by T.
Protein change: p.Ser194Leu; replaces serine 194 with leucine.
Molecular consequence: missense variant.
Genome position (GRCh38, 1-based): chr7:39,951,222, C>T. VCF-style: chr7-39951222-C-T. GRCh37 (hg19) VCF-style: chr7-39990821-C-T.
Other names: c.581C>T (NM_003718.4); c.581C>T, p.Ser194Leu (NM_031267.4); short protein forms S194L.
Identifiers: ClinVar variation 2871872 (VCV002871872.4), dbSNP rs1166331366, ClinGen allele CA367310033.

ClinVar aggregate classification (germline): Conflicting classifications of pathogenicity. Review status: criteria provided, conflicting classifications (1 of 4 stars). 2 submissions from 2 submitters: Uncertain significance (1); Benign (1). Last evaluated 2026-07-15.

Conditions:
CDK13-related disorder. Also called: CDK13-related condition. Identifiers: MedGen C5816700.

Allele frequency attached by ClinVar (database versions not stated): gnomAD 0.00001; gnomAD exomes 0.00001; TOPMed 0.00001.
gnomAD v4.1: 17 of 1,268,212 alleles (0.0013%); highest among the groups gnomAD compares: African/African-American, 0.017%; 1 homozygote.

Submissions (2):

PreventionGenetics, part of Exact Sciences
Classification: Uncertain significance for CDK13-related condition. Last evaluated: 2026-07-15. Review status: criteria provided, single submitter. Criteria: ACMG Guidelines, 2015. Collection method: clinical testing. Allele origin: germline.
Comment: The CDK13 c.581C>T variant is predicted to result in the amino acid substitution p.Ser194Leu. To our knowledge, this variant has not been reported in the literature or in a large population database (gnomAD), indicating this variant is rare. At this time, the clinical significance of this variant is uncertain due to the absence of conclusive functional and genetic evidence.

Labcorp Genetics (formerly Invitae), Labcorp
Classification: Benign. Last evaluated: 2024-09-16. Review status: criteria provided, single submitter. Criteria: Invitae Variant Classification Sherloc (09022015). Collection method: clinical testing. Allele origin: germline.